The following is an entry in ClinVar:

NM_002063.4(GLRA2):c.758A>G (p.Gln253Arg)

Gene: GLRA2 (glycine receptor alpha 2; plus strand). Cytogenetic location: Xp22.2.
Variant type: single nucleotide variant.
Coding change: c.758A>G on transcript NM_002063.4 (MANE Select); coding-DNA position 758, A replaced by G.
Protein change: p.Gln253Arg; replaces glutamine 253 with arginine.
Molecular consequence: missense variant.
Genome position (GRCh38, 1-based): chrX:14,609,033, A>G. VCF-style: chrX-14609033-A-G. GRCh37 (hg19) VCF-style: chrX-14627155-A-G.
Other names: c.758A>G, p.Gln253Arg (NM_001118885.2, NM_001118886.2); c.491A>G, p.Gln164Arg (NM_001171942.2); short protein forms Q164R, Q253R.
Identifiers: ClinVar variation 3766161 (VCV003766161.2).

ClinVar aggregate classification (germline): Uncertain significance (1 of 4 stars; one submission).

gnomAD v4.1: 3 of 1,182,569 alleles (0.00025%); highest among the groups gnomAD compares: Admixed American, 0.0065%; no homozygotes.

Submission:

GeneDx
Classification: Uncertain significance. Last evaluated: 2026-03-10. Review status: criteria provided, single submitter. Criteria: GeneDx Variant Classification Process June 2021. Collection method: clinical testing. Allele origin: germline.
Comment: In silico analysis supports that this missense variant has a deleterious effect on protein structure/function; Has not been previously published as pathogenic or benign to our knowledge